The following is an entry in ClinVar:

ClinVar aggregate classification (germline): Uncertain significance (1 of 4 stars; one submission).

Allele frequency attached by ClinVar (database versions not stated): gnomAD 0.00001.

Submission:

Labcorp Genetics (formerly Invitae), Labcorp
Classification: Uncertain significance. Last evaluated: 2024-01-06. Review status: criteria provided, single submitter. Criteria: Invitae Variant Classification Sherloc (09022015). Collection method: clinical testing. Allele origin: germline.
Comment: This sequence change replaces valine, which is neutral and non-polar, with phenylalanine, which is neutral and non-polar, at codon 199 of the C3 protein (p.Val199Phe). This variant is not present in population databases (gnomAD no frequency). This variant has not been reported in the literature in individuals affected with C3-related conditions. Advanced modeling of protein sequence and biophysical properties (such as structural, functional, and spatial information, amino acid conservation, physicochemical variation, residue mobility, and thermodynamic stability) has been performed at Invitae for this missense variant, however the output from this modeling did not meet the statistical confidence thresholds required to predict the impact of this variant on C3 protein function. In summary, the available evidence is currently insufficient to determine the role of this variant in disease. Therefore, it has been classified as a Variant of Uncertain Significance.

NM_000064.4(C3):c.595G>T (p.Val199Phe)

Gene: C3 (complement C3; minus strand). Cytogenetic location: 19p13.3.
Variant type: single nucleotide variant.
Coding change: c.595G>T on transcript NM_000064.4 (MANE Select); coding-DNA position 595, G replaced by T.
Protein change: p.Val199Phe; replaces valine 199 with phenylalanine.
Molecular consequence: missense variant.
Genome position (GRCh38, 1-based): chr19:6,714,356, C>A on the plus strand (G>T on the coding strand, the complement: C3 is on the minus strand). VCF-style: chr19-6714356-C-A. GRCh37 (hg19) VCF-style: chr19-6714367-C-A.
Other names: short protein forms V199F.
Identifiers: ClinVar variation 2707941 (VCV002707941.3), dbSNP rs147549358, ClinGen allele CA403643332.